The following is an entry in ClinVar:

NM_001384732.1(CPLANE1):c.6284G>T (p.Ser2095Ile)

Gene: CPLANE1 (ciliogenesis and planar polarity effector complex subunit 1; minus strand). Cytogenetic location: 5p13.2.
Variant type: single nucleotide variant.
Coding change: c.6284G>T on transcript NM_001384732.1 (MANE Select); coding-DNA position 6284, G replaced by T.
Protein change: p.Ser2095Ile; replaces serine 2095 with isoleucine.
Molecular consequence: missense variant.
Genome position (GRCh38, 1-based): chr5:37,170,219, C>A on the plus strand (G>T on the coding strand, the complement: CPLANE1 is on the minus strand). VCF-style: chr5-37170219-C-A. GRCh37 (hg19) VCF-style: chr5-37170321-C-A.
Other names: c.6284G>T, p.Ser2095Ile (NM_023073.4); short protein forms S2095I.
Identifiers: ClinVar variation 1042913 (VCV001042913.8), dbSNP rs1779393325, ClinGen allele CA359482329.

ClinVar aggregate classification (germline): Uncertain significance (1 of 4 stars; one submission).

Allele frequency attached by ClinVar (database versions not stated): gnomAD 0.00001.
gnomAD v4.1: 2 of 1,614,042 alleles (0.00012%); highest among the groups gnomAD compares: African/African-American, 0.0013%; no homozygotes.

Submission:

Labcorp Genetics (formerly Invitae), Labcorp
Classification: Uncertain significance. Last evaluated: 2022-07-26. Review status: criteria provided, single submitter. Criteria: Invitae Variant Classification Sherloc (09022015). Collection method: clinical testing. Allele origin: germline.
Comment: This variant has not been reported in the literature in individuals affected with CPLANE1-related conditions. This sequence change replaces serine, which is neutral and polar, with isoleucine, which is neutral and non-polar, at codon 2095 of the CPLANE1 protein (p.Ser2095Ile). This variant is not present in population databases (gnomAD no frequency). ClinVar contains an entry for this variant (Variation ID: 1042913). Advanced modeling of protein sequence and biophysical properties (such as structural, functional, and spatial information, amino acid conservation, physicochemical variation, residue mobility, and thermodynamic stability) performed at Invitae indicates that this missense variant is not expected to disrupt CPLANE1 protein function. In summary, the available evidence is currently insufficient to determine the role of this variant in disease. Therefore, it has been classified as a Variant of Uncertain Significance.